The following is an entry in ClinVar:

ClinVar aggregate classification (germline): Uncertain significance (1 of 4 stars; one submission).

Conditions:
Cystic fibrosis (CF). Also called: MUCOVISCIDOSIS. Identifiers: Orphanet 586, MedGen C0010674, MONDO:0009061, OMIM 219700. Disease mechanism: loss of function.

Submission:

Ambry Genetics
Classification: Uncertain significance for Cystic fibrosis. Last evaluated: 2025-06-06. Review status: criteria provided, single submitter. Criteria: Ambry Variant Classification Scheme 2023. Collection method: clinical testing. Allele origin: germline.
Comment: The p.T1115S variant (also known as c.3343A>T), located in coding exon 20 of the CFTR gene, results from an A to T substitution at nucleotide position 3343. The threonine at codon 1115 is replaced by serine, an amino acid with similar properties. This amino acid position is conserved. In addition, the in silico prediction for this alteration is inconclusive. Based on the available evidence, the clinical significance of this variant remains unclear.

NM_000492.4(CFTR):c.3343A>T (p.Thr1115Ser)

Genes: CFTR (CF transmembrane conductance regulator; plus strand), CFTR-AS2 (CFTR antisense RNA 2; minus strand), LOC111674472 (DNase I hypersensitive sites in introns 16 and 17a of CFTR; plus strand). Cytogenetic location: 7q31.2.
Variant type: single nucleotide variant.
Coding change: c.3343A>T on transcript NM_000492.4 (MANE Select); coding-DNA position 3343, A replaced by T.
Protein change: p.Thr1115Ser; replaces threonine 1115 with serine.
Molecular consequence: missense variant.
Genome position (GRCh38, 1-based): chr7:117,611,784, A>T. VCF-style: chr7-117611784-A-T. GRCh37 (hg19) VCF-style: chr7-117251838-A-T.
Other names: short protein forms T1115S.
Identifiers: ClinVar variation 4001885 (VCV004001885.1).